The following is an entry in ClinVar:

ClinVar aggregate classification (germline): Pathogenic. Review status: criteria provided, multiple submitters, no conflicts (2 of 4 stars). 2 submissions from 2 submitters: Pathogenic (2). Last evaluated 2023-07-07.

Conditions:
Ataxia-telangiectasia-like disorder (ATLD). Identifiers: MedGen C1858391, MONDO:0011457.
Hereditary cancer-predisposing syndrome. Also called: Neoplastic Syndromes, Hereditary; Tumor predisposition; Hereditary Cancer Syndrome; Hereditary neoplastic syndrome. Identifiers: Orphanet 140162, MedGen C0027672, MeSH D009386, MONDO:0015356.

Submissions (2):

Ambry Genetics
Classification: Pathogenic for Hereditary cancer-predisposing syndrome. Last evaluated: 2023-07-07. Review status: criteria provided, single submitter. Criteria: Ambry Variant Classification Scheme 2023. Collection method: clinical testing. Allele origin: germline.
Comment: The p.Q629* pathogenic mutation (also known as c.1885C>T), located in coding exon 16 of the MRE11A gene, results from a C to T substitution at nucleotide position 1885. This changes the amino acid from a glutamine to a stop codon within coding exon 16. This alteration is expected to result in loss of function by premature protein truncation or nonsense-mediated mRNA decay. As such, this alteration is interpreted as a disease-causing mutation.

Labcorp Genetics (formerly Invitae), Labcorp
Classification: Pathogenic for Ataxia-telangiectasia-like disorder. Last evaluated: 2022-12-10. Review status: criteria provided, single submitter. Criteria: Invitae Variant Classification Sherloc (09022015). Collection method: clinical testing. Allele origin: germline.
Comment: This variant is not present in population databases (gnomAD no frequency). This sequence change creates a premature translational stop signal (p.Gln629*) in the MRE11 gene. It is expected to result in an absent or disrupted protein product. Loss-of-function variants in MRE11 are known to be pathogenic (PMID: 23080121, 23912341). This variant has not been reported in the literature in individuals affected with MRE11-related conditions. For these reasons, this variant has been classified as Pathogenic. ClinVar contains an entry for this variant (Variation ID: 820257).

Literature cited by the submitters: PubMed 23080121 (cited by Labcorp Genetics (formerly Invitae), Labcorp); PubMed 23912341 (cited by Labcorp Genetics (formerly Invitae), Labcorp).

NM_005591.4(MRE11):c.1885C>T (p.Gln629Ter)

Gene: MRE11 (MRE11 double strand break repair nuclease; minus strand). Cytogenetic location: 11q21.
Variant type: single nucleotide variant.
Coding change: c.1885C>T on transcript NM_005591.4 (MANE Select); coding-DNA position 1885, C replaced by T.
Protein change: p.Gln629Ter; replaces glutamine 629 with a stop codon.
Molecular consequence: nonsense.
Genome position (GRCh38, 1-based): chr11:94,437,218, G>A on the plus strand (C>T on the coding strand, the complement: MRE11 is on the minus strand). VCF-style: chr11-94437218-G-A. GRCh37 (hg19) VCF-style: chr11-94170384-G-A.
Other names: c.1882C>T, p.Gln628Ter (NM_001330347.2); c.1801C>T, p.Gln601Ter (NM_005590.4); short protein forms Q601*, Q628*, Q629*.
Identifiers: ClinVar variation 820257 (VCV000820257.8), dbSNP rs1157436927, ClinGen allele CA382374829.